The following is an entry in ClinVar:

NM_182961.4(SYNE1):c.870T>C (p.Thr290=)

Gene: SYNE1 (spectrin repeat containing nuclear envelope protein 1; minus strand). Cytogenetic location: 6q25.2.
Variant type: single nucleotide variant.
Coding change: c.870T>C on transcript NM_182961.4 (MANE Select); coding-DNA position 870, T replaced by C.
Protein change: p.Thr290=; no amino-acid change (threonine 290 retained).
Molecular consequence: synonymous variant.
Genome position (GRCh38, 1-based): chr6:152,502,651, A>G on the plus strand (T>C on the coding strand, the complement: SYNE1 is on the minus strand). VCF-style: chr6-152502651-A-G. GRCh37 (hg19) VCF-style: chr6-152823786-A-G.
Other names: c.891T>C, p.Thr297= (NM_033071.5).
Identifiers: ClinVar variation 2170550 (VCV002170550.8), dbSNP rs752412206, ClinGen allele CA4059601.

ClinVar aggregate classification (germline): Likely benign. Review status: criteria provided, multiple submitters, no conflicts (2 of 4 stars). 2 submissions from 2 submitters: Likely benign (2). Last evaluated 2026-01-01.

Conditions:
Autosomal recessive ataxia, Beauce type. Also called: Spinocerebellar ataxia, autosomal recessive 8; SYNE1-Related Autosomal Recessive Cerebellar Ataxia; SYNE1 Deficiency; ATAXIA, RECESSIVE, OF BEAUCE. Identifiers: Orphanet 88644, MedGen C1853116, MONDO:0012549, OMIM 610743.
Emery-Dreifuss muscular dystrophy 4, autosomal dominant (EDMD4). Also called: EMERY-DREIFUSS MUSCULAR DYSTROPHY 4 WITH VARIABLE FEATURES. Identifiers: Orphanet 261, MedGen C2751807, MONDO:0013071, OMIM 612998.

Allele frequency attached by ClinVar (database versions not stated): gnomAD exomes 0.00001; TOPMed 0.00001; ExAC 0.00003.
gnomAD v4.1: 6 of 1,613,438 alleles (0.00037%); highest among the groups gnomAD compares: Admixed American, 0.0083%; no homozygotes.

Submissions (2):

CeGaT Center for Human Genetics Tuebingen
Classification: Likely benign. Last evaluated: 2026-01-01. Review status: criteria provided, single submitter. Criteria: CeGaT Center For Human Genetics Tuebingen Variant Classification Criteria Version 2. Collection method: clinical testing. Allele origin: germline. Affected: yes. Observed: 1 variant allele.
Comment: SYNE1: BP4, BP7

Labcorp Genetics (formerly Invitae), Labcorp
Classification: Likely benign for Emery-Dreifuss muscular dystrophy 4, autosomal dominant; Autosomal recessive ataxia, Beauce type. Last evaluated: 2025-07-30. Review status: criteria provided, single submitter. Criteria: Invitae Variant Classification Sherloc (09022015). Collection method: clinical testing. Allele origin: germline.